The following is an entry in ClinVar:

ClinVar aggregate classification (germline): Uncertain significance (1 of 4 stars; one submission).

Conditions:
Hereditary cancer-predisposing syndrome. Also called: Neoplastic Syndromes, Hereditary; Tumor predisposition; Hereditary Cancer Syndrome; Hereditary neoplastic syndrome. Identifiers: Orphanet 140162, MedGen C0027672, MeSH D009386, MONDO:0015356.

Submission:

Ambry Genetics
Classification: Uncertain significance for Hereditary cancer-predisposing syndrome. Last evaluated: 2022-03-07. Review status: criteria provided, single submitter. Criteria: Ambry Variant Classification Scheme 2023. Collection method: clinical testing. Allele origin: germline.
Comment: The p.M1137L variant (also known as c.3409A>C), located in coding exon 24 of the SMARCA4 gene, results from an A to C substitution at nucleotide position 3409. The methionine at codon 1137 is replaced by leucine, an amino acid with highly similar properties. This amino acid position is well conserved in available vertebrate species. In addition, this alteration is predicted to be tolerated by in silico analysis. Missense and in-frame variants in SMARCA4 are known to cause neurodevelopmental disorders; however, such associations with rhabdoid tumor predisposition syndrome including small cell carcinoma of the ovary-hypercalcemic type (SCCOHT) are exceedingly rare (Kosho T et al. Am J Med Genet C Semin Med Genet. 2014 Sep;166C(3):262-75; Jelinic P et al. Nat Genet. 2014 May;46(5):424-6). Based on the supporting evidence, the association of this alteration with Coffin-Siris syndrome is unknown; however, the association of this alteration with rhabdoid tumor predisposition syndrome is unlikely.

NM_003072.5(SMARCA4):c.3409A>C (p.Met1137Leu)

Gene: SMARCA4 (SWI/SNF related BAF chromatin remodeling complex subunit ATPase 4; plus strand). Cytogenetic location: 19p13.2.
Variant type: single nucleotide variant.
Coding change: c.3409A>C on transcript NM_003072.5 (MANE Select); coding-DNA position 3409, A replaced by C.
Protein change: p.Met1137Leu; replaces methionine 1137 with leucine.
Molecular consequence: missense variant. On other transcripts: non-coding transcript variant (1).
Genome position (GRCh38, 1-based): chr19:11,030,756, A>C. VCF-style: chr19-11030756-A-C. GRCh37 (hg19) VCF-style: chr19-11141432-A-C.
Other names: c.3409A>C, p.Met1137Leu (NM_001128844.3, NM_001128845.2, NM_001128846.2 and 6 more transcripts); short protein forms M1137L.
Identifiers: ClinVar variation 1731144 (VCV001731144.2), dbSNP rs1194707294, ClinGen allele CA404062593.